The following is an entry in ClinVar:

NM_001374828.1(ARID1B):c.2889_2893del (p.Val964fs)

Gene: ARID1B (AT-rich interaction domain 1B; plus strand). Cytogenetic location: 6q25.3.
Variant type: Deletion.
Coding change: c.2889_2893del on transcript NM_001374828.1 (MANE Select); coding-DNA positions 2889 to 2893, 5 bases deleted (TGTGC; older notation c.2889_2893delTGTGC).
Protein change: p.Val964fs; shifts the reading frame from valine 964.
Molecular consequence: frameshift variant.
Genome position (GRCh38, 1-based): chr6:157,148,751-157,148,755, TGTGC deleted; deleting any 5 consecutive bases within chr6:157,148,747-157,148,755 gives the same sequence; the c. name uses the placement nearest the transcript's 3' end. VCF-style (leftmost placement, unchanged base first): chr6-157148746-GGTGCT-G. GRCh37 (hg19) VCF-style: chr6-157469880-GGTGCT-G.
Other names: c.390_394del, p.Val131fs (NM_001363725.2, NM_001438488.1); c.2928_2932del, p.Val977fs (NM_001371656.1, NM_001374820.1); c.2889_2893del, p.Val964fs (NM_001438482.1, NM_017519.3); c.2931_2935del, p.Val978fs (NM_001438483.1, NM_001438486.1); c.2799_2803del, p.Val934fs (NM_001438485.1); c.2709_2713del, p.Val904fs (NM_001438487.1); short protein forms V131fs, V904fs, V934fs, V964fs, V977fs, V978fs.
Identifiers: ClinVar variation 4879739 (VCV004879739.1).

ClinVar aggregate classification (germline): Pathogenic (1 of 4 stars; one submission).

Conditions:
Coffin-Siris syndrome 1 (CSS1). Also called: Mental retardation, autosomal dominant 12; ARID1B-Related Coffin-Siris Syndrome. Identifiers: Orphanet 1465, MedGen C3281201, MONDO:0007617, OMIM 135900. Disease mechanism: gain of function.

Submission:

Victorian Clinical Genetics Services, Murdoch Childrens Research Institute
Classification: Pathogenic for Coffin-Siris syndrome 1. Last evaluated: 2026-06-23. Review status: criteria provided, single submitter. Criteria: ACMG Guidelines, 2015. Collection method: clinical testing. Allele origin: germline. Affected: yes.
Comment: This variant is classified as Pathogenic. Evidence in support of pathogenic classification: Variant is predicted to cause nonsense-mediated decay (NMD) and loss of protein (premature termination codon is located at least 54 nucleotides upstream of the final exon-exon junction); Variant is absent from gnomAD (v4); Other NMD-predicted variant(s) comparable to the one identified in this case have very strong previous evidence for pathogenicity (DECIPHER). Additional information: This variant is heterozygous; This gene is associated with autosomal dominant disease; Loss of function is a known mechanism of disease in this gene and is associated with Coffin-Siris syndrome 1 (MIM#135900); Variants in this gene are known to have variable expressivity (PMID: 33768696); Inheritance information for this variant is not currently available in this individual.

Literature cited by the submitters: PubMed 33768696.